The following is an entry in ClinVar:

ClinVar aggregate classification (germline): Conflicting classifications of pathogenicity. Review status: criteria provided, conflicting classifications (1 of 4 stars). 2 submissions from 2 submitters: Uncertain significance (1); Likely benign (1). Last evaluated 2025-05-13.

Allele frequency attached by ClinVar (database versions not stated): ExAC 0.00001; gnomAD exomes 0.00001.
gnomAD v4.1: 7 of 1,614,004 alleles (0.00043%); highest among the groups gnomAD compares: Non-Finnish European, 0.00042%; no homozygotes.

Submissions (2):

Ambry Genetics
Classification: Likely benign. Last evaluated: 2025-05-13. Review status: criteria provided, single submitter. Criteria: Ambry Variant Classification Scheme 2023. Collection method: clinical testing. Allele origin: germline.

Labcorp Genetics (formerly Invitae), Labcorp
Classification: Uncertain significance. Last evaluated: 2024-06-24. Review status: criteria provided, single submitter. Criteria: Invitae Variant Classification Sherloc (09022015). Collection method: clinical testing. Allele origin: germline.
Comment: This sequence change replaces aspartic acid, which is acidic and polar, with asparagine, which is neutral and polar, at codon 465 of the GALNT12 protein (p.Asp465Asn). This variant is present in population databases (rs777862536, gnomAD 0.006%). This variant has not been reported in the literature in individuals affected with GALNT12-related conditions. ClinVar contains an entry for this variant (Variation ID: 819076). Algorithms developed to predict the effect of missense changes on protein structure and function output the following: SIFT: "Not Available"; PolyPhen-2: "Benign"; Align-GVGD: "Not Available". The asparagine amino acid residue is found in multiple mammalian species, which suggests that this missense change does not adversely affect protein function. In summary, the available evidence is currently insufficient to determine the role of this variant in disease. Therefore, it has been classified as a Variant of Uncertain Significance.

NM_024642.5(GALNT12):c.1393G>A (p.Asp465Asn)

Gene: GALNT12 (polypeptide N-acetylgalactosaminyltransferase 12; plus strand). Cytogenetic location: 9q22.33.
Variant type: single nucleotide variant.
Coding change: c.1393G>A on transcript NM_024642.5 (MANE Select); coding-DNA position 1393, G replaced by A.
Protein change: p.Asp465Asn; replaces aspartic acid 465 with asparagine.
Molecular consequence: missense variant.
Genome position (GRCh38, 1-based): chr9:98,844,144, G>A. VCF-style: chr9-98844144-G-A. GRCh37 (hg19) VCF-style: chr9-101606426-G-A.
Other names: short protein forms D465N.
Identifiers: ClinVar variation 819076 (VCV000819076.10), dbSNP rs777862536, ClinGen allele CA5154263.